The following is an entry in ClinVar:

NM_007126.5(VCP):c.1482+9A>G

Gene: VCP (valosin containing protein; minus strand). Cytogenetic location: 9p13.3.
Variant type: single nucleotide variant.
Coding change: c.1482+9A>G on transcript NM_007126.5 (MANE Select); 9 bases into the intron after coding-DNA position 1482, A replaced by G.
Molecular consequence: intron variant.
Genome position (GRCh38, 1-based): chr9:35,060,792, T>C on the plus strand (A>G on the coding strand, the complement: VCP is on the minus strand). VCF-style: chr9-35060792-T-C. GRCh37 (hg19) VCF-style: chr9-35060789-T-C.
Other names: c.1347+9A>G (NM_001354927.2, NM_001354928.2); c.1482+9A>G (NM_007126.3).
Identifiers: ClinVar variation 1618210 (VCV001618210.9), dbSNP rs766140133, ClinGen allele CA5039247.

ClinVar aggregate classification (germline): Likely benign. Review status: criteria provided, multiple submitters, no conflicts (2 of 4 stars). 2 submissions from 2 submitters: Likely benign (2). Last evaluated 2025-05-08.

Conditions:
Inclusion body myopathy with Paget disease of bone and frontotemporal dementia. Also called: Inclusion body myopathy with early-onset Paget disease and frontotemporal dementia. Identifiers: Orphanet 52430, MedGen C1833662, MONDO:0000507.
Frontotemporal dementia and/or amyotrophic lateral sclerosis 6 (FTDALS6). Also called: VCP-Related Amyotrophic Lateral Sclerosis/Frontotemporal Dementia; VCP-Related Amyotrophic Lateral Sclerosis. Identifiers: Orphanet 275872, Orphanet 803, MedGen C5436279, MONDO:0013501, OMIM 613954.
VCP-related disorder. Also called: VCP-related disorders; VCP-related condition.

Allele frequency attached by ClinVar (database versions not stated): ExAC 0.00001; gnomAD 0.00001; gnomAD exomes 0.00001; TOPMed 0.00001.
gnomAD v4.1: 20 of 1,614,036 alleles (0.0012%); highest among the groups gnomAD compares: African/African-American, 0.0027%; no homozygotes.

Submissions (2):

PreventionGenetics, part of Exact Sciences
Classification: Likely benign for VCP-related condition. Last evaluated: 2025-05-08. Review status: criteria provided, single submitter. Criteria: ACMG Guidelines, 2015. Collection method: clinical testing. Allele origin: germline.
Comment: This variant is classified as likely benign based on ACMG/AMP sequence variant interpretation guidelines (Richards et al. 2015 PMID: 25741868, with internal and published modifications).

Labcorp Genetics (formerly Invitae), Labcorp
Classification: Likely benign for Inclusion body myopathy with Paget disease of bone and frontotemporal dementia; Frontotemporal dementia and/or amyotrophic lateral sclerosis 6. Last evaluated: 2022-06-15. Review status: criteria provided, single submitter. Criteria: Invitae Variant Classification Sherloc (09022015). Collection method: clinical testing. Allele origin: germline.